The following is an entry in ClinVar:

ClinVar aggregate classification (germline): Benign/Likely benign. Review status: criteria provided, multiple submitters, no conflicts (2 of 4 stars). 5 submissions from 5 submitters: Benign (1); Likely benign (4). Last evaluated 2024-12-23.

Conditions:
Lynch syndrome 5 (LYNCH5). Also called: Colorectal cancer, hereditary nonpolyposis, type 5; Hereditary non-polyposis colorectal cancer, type 5. Identifiers: Orphanet 144, MedGen C1833477, MONDO:0013710, OMIM 614350. Disease mechanism: loss of function.
Lynch syndrome. Identifiers: Orphanet 144, MedGen C4552100, MONDO:0005835. Disease mechanism: loss of function.
Hereditary nonpolyposis colorectal neoplasms. Identifiers: MedGen C0009405, MeSH D003123.
Hereditary cancer-predisposing syndrome. Also called: Neoplastic Syndromes, Hereditary; Hereditary Cancer Syndrome; Tumor predisposition; Hereditary neoplastic syndrome. Identifiers: Orphanet 140162, MedGen C0027672, MeSH D009386, MONDO:0015356.

Allele frequency attached by ClinVar (database versions not stated): gnomAD exomes below 0.00001; TOPMed 0.00001.
gnomAD v4.1: 1 of 1,614,128 alleles (0.000062%); highest among the groups gnomAD compares: Non-Finnish European, 0.000085%; no homozygotes.

Submissions (5):

Myriad Genetics, Inc.
Classification: Benign for Lynch syndrome 5. Last evaluated: 2024-12-23. Review status: criteria provided, single submitter. Criteria: Myriad Autosomal Dominant, Autosomal Recessive and X-Linked Classification Criteria (2023). Collection method: clinical testing. Allele origin: unknown.
Comment: This variant is considered benign. This variant is a silent/synonymous amino acid change and it is not expected to impact splicing.

All of Us Research Program, National Institutes of Health
Classification: Likely benign for Lynch syndrome. Last evaluated: 2024-07-10. Review status: criteria provided, single submitter. Criteria: ACMG Guidelines, 2015. Collection method: clinical testing. Allele origin: germline. Inheritance: Autosomal dominant inheritance. Observed: 1 variant allele, 1 heterozygote.
Comment: This study involves interpretation of variants in research participants for the purpose of population health screening. Participant phenotype was not available at the time of variant classification. Additional details can be found in publication PMID: 35346344, PMCID: PMC8962531

Labcorp Genetics (formerly Invitae), Labcorp
Classification: Likely benign for Hereditary nonpolyposis colorectal neoplasms. Last evaluated: 2022-10-24. Review status: criteria provided, single submitter. Criteria: Invitae Variant Classification Sherloc (09022015). Collection method: clinical testing. Allele origin: germline.

Ambry Genetics
Classification: Likely benign for Hereditary cancer-predisposing syndrome. Last evaluated: 2019-11-23. Review status: criteria provided, single submitter. Criteria: Ambry Variant Classification Scheme 2023. Collection method: clinical testing. Allele origin: germline.

Color Diagnostics, LLC DBA Color Health
Classification: Likely benign for Hereditary cancer-predisposing syndrome. Last evaluated: 2018-10-09. Review status: criteria provided, single submitter. Criteria: ACMG Guidelines, 2015. Collection method: clinical testing. Allele origin: germline.

NM_000179.3(MSH6):c.1077T>C (p.Ser359=)

Gene: MSH6 (mutS homolog 6; plus strand). Cytogenetic location: 2p16.3.
Variant type: single nucleotide variant.
Coding change: c.1077T>C on transcript NM_000179.3 (MANE Select); coding-DNA position 1077, T replaced by C.
Protein change: p.Ser359=; no amino-acid change (serine 359 retained).
Molecular consequence: synonymous variant.
Genome position (GRCh38, 1-based): chr2:47,799,060, T>C. VCF-style: chr2-47799060-T-C. GRCh37 (hg19) VCF-style: chr2-48026199-T-C.
Other names: c.687T>C, p.Ser229= (NM_001281492.2); c.171T>C, p.Ser57= (NM_001281493.2, NM_001281494.2).
Identifiers: ClinVar variation 743181 (VCV000743181.19), dbSNP rs926748786, ClinGen allele CA46707351.
Genomic context (GRCh38, chr2:47,799,060, plus strand): 5'-TTTCTCTGCCCCTCAAAATTCTGAATCCCAAGCCCACGTTAGTGGAGGTGGTGATGACAG[T>C]AGTCGCCCTACTGTTTGGTATCATGAAACTTTAGAATGGCTTAAGGAGGAAAAGAGAAGA-3'
Protein context (NP_000170.1, residues 349-369): QAHVSGGGDD[Ser359=]SRPTVWYHET